The following is an entry in ClinVar:

NM_000137.4(FAH):c.587T>C (p.Leu196Ser)

Gene: FAH (fumarylacetoacetate hydrolase; plus strand). Cytogenetic location: 15q25.1.
Variant type: single nucleotide variant.
Coding change: c.587T>C on transcript NM_000137.4 (MANE Select); coding-DNA position 587, T replaced by C.
Protein change: p.Leu196Ser; replaces leucine 196 with serine.
Molecular consequence: missense variant.
Genome position (GRCh38, 1-based): chr15:80,168,297, T>C. VCF-style: chr15-80168297-T-C. GRCh37 (hg19) VCF-style: chr15-80460639-T-C.
Other names: c.587T>C, p.Leu196Ser (NM_001374377.1, NM_001374380.1); short protein forms L196S.
Identifiers: ClinVar variation 3614291 (VCV003614291.2).

ClinVar aggregate classification (germline): Uncertain significance (1 of 4 stars; one submission).

Conditions:
Tyrosinemia type I (TYRSN1). Also called: Tyrosinemia type 1; Fumarylacetoacetase deficiency; Deficiency of fumarylacetoacetase; HEPATORENAL TYROSINEMIA; FAH DEFICIENCY. Identifiers: Orphanet 882, MedGen C0268490, MONDO:0010161, OMIM 276700. Disease mechanism: loss of function.

Submission:

Labcorp Genetics (formerly Invitae), Labcorp
Classification: Uncertain significance for Tyrosinemia type I. Last evaluated: 2024-07-23. Review status: criteria provided, single submitter. Criteria: Invitae Variant Classification Sherloc (09022015). Collection method: clinical testing. Allele origin: germline.
Comment: This sequence change replaces leucine, which is neutral and non-polar, with serine, which is neutral and polar, at codon 196 of the FAH protein (p.Leu196Ser). This variant is not present in population databases (gnomAD no frequency). This variant has not been reported in the literature in individuals affected with FAH-related conditions. Advanced modeling of protein sequence and biophysical properties (such as structural, functional, and spatial information, amino acid conservation, physicochemical variation, residue mobility, and thermodynamic stability) performed at Invitae indicates that this missense variant is not expected to disrupt FAH protein function with a negative predictive value of 80%. In summary, the available evidence is currently insufficient to determine the role of this variant in disease. Therefore, it has been classified as a Variant of Uncertain Significance.